The following is an entry in ClinVar:

ClinVar aggregate classification (germline): Likely pathogenic. Review status: criteria provided, multiple submitters, no conflicts (2 of 4 stars). 2 submissions from 2 submitters: Likely pathogenic (2). Last evaluated 2023-09-25.

gnomAD v4.1: 4 of 1,600,854 alleles (0.00025%); highest among the groups gnomAD compares: Non-Finnish European, 0.00034%; no homozygotes.

Submissions (2):

Labcorp Genetics (formerly Invitae), Labcorp
Classification: Likely pathogenic. Last evaluated: 2023-09-25. Review status: criteria provided, single submitter. Criteria: Invitae Variant Classification Sherloc (09022015). Collection method: clinical testing. Allele origin: germline.
Comment: This sequence change affects an acceptor splice site in intron 4 of the ERCC6 gene. It is expected to disrupt RNA splicing. Variants that disrupt the donor or acceptor splice site typically lead to a loss of protein function (PMID: 16199547), and loss-of-function variants in ERCC6 are known to be pathogenic (PMID: 18628313, 29572252). This variant is not present in population databases (gnomAD no frequency). Disruption of this splice site has been observed in individual(s) with Cockayne syndrome (PMID: 19894250). ClinVar contains an entry for this variant (Variation ID: 841744). Algorithms developed to predict the effect of sequence changes on RNA splicing suggest that this variant may disrupt the consensus splice site. In summary, the currently available evidence indicates that the variant is pathogenic, but additional data are needed to prove that conclusively. Therefore, this variant has been classified as Likely Pathogenic.

GeneDx
Classification: Likely pathogenic. Last evaluated: 2023-06-07. Review status: criteria provided, single submitter. Criteria: GeneDx Variant Classification Process June 2021. Collection method: clinical testing. Allele origin: germline. Affected: yes.
Comment: Reported in a patient with Cockayne syndrome, however it is unknown if the variant occurred in the homozygous or heterozygous state (Laugel et al., 2010); Canonical splice site variant predicted to result in a null allele in a gene for which loss of function is a known mechanism of disease; Not observed at significant frequency in large population cohorts (gnomAD); This variant is associated with the following publications: (PMID: 25525159, 19894250)

Literature cited by the submitters: PubMed 16199547 (cited by Labcorp Genetics (formerly Invitae), Labcorp); PubMed 18628313 (cited by Labcorp Genetics (formerly Invitae), Labcorp); PubMed 29572252 (cited by Labcorp Genetics (formerly Invitae), Labcorp); PubMed 19894250 (cited by Labcorp Genetics (formerly Invitae), Labcorp).

NM_000124.4(ERCC6):c.653-2A>G

Gene: ERCC6 (ERCC excision repair 6, chromatin remodeling factor; minus strand). Cytogenetic location: 10q11.23.
Variant type: single nucleotide variant.
Coding change: c.653-2A>G on transcript NM_000124.4 (MANE Select); the canonical splice acceptor site of the intron before coding-DNA position 653, A replaced by G.
Molecular consequence: splice acceptor variant.
Genome position (GRCh38, 1-based): chr10:49,524,779, T>C on the plus strand (A>G on the coding strand, the complement: ERCC6 is on the minus strand). VCF-style: chr10-49524779-T-C. GRCh37 (hg19) VCF-style: chr10-50732825-T-C.
Other names: c.653-2A>G (NM_001346440.2, NM_001277059.2, NM_001277058.2).
Identifiers: ClinVar variation 841744 (VCV000841744.11), dbSNP rs1837271887, ClinGen allele CA376755695.